The following is an entry in ClinVar:

NM_003705.5(SLC25A12):c.1963C>T (p.Leu655Phe)

Gene: SLC25A12 (solute carrier family 25 member 12; minus strand). Cytogenetic location: 2q31.1.
Variant type: single nucleotide variant.
Coding change: c.1963C>T on transcript NM_003705.5 (MANE Select); coding-DNA position 1963, C replaced by T.
Protein change: p.Leu655Phe; replaces leucine 655 with phenylalanine.
Molecular consequence: missense variant. On other transcripts: non-coding transcript variant (1).
Genome position (GRCh38, 1-based): chr2:171,785,348, G>A on the plus strand (C>T on the coding strand, the complement: SLC25A12 is on the minus strand). VCF-style: chr2-171785348-G-A. GRCh37 (hg19) VCF-style: chr2-172641858-G-A.
Other names: short protein forms L655F.
Identifiers: ClinVar variation 846959 (VCV000846959.7), dbSNP rs749429197, ClinGen allele CA1965996.

ClinVar aggregate classification (germline): Uncertain significance (1 of 4 stars; one submission).

Allele frequency attached by ClinVar (database versions not stated): gnomAD exomes below 0.00001; ExAC 0.00001.
gnomAD v4.1: 1 of 1,614,190 alleles (0.000062%); highest among the groups gnomAD compares: South Asian, 0.0011%; no homozygotes.

Submission:

Labcorp Genetics (formerly Invitae), Labcorp
Classification: Uncertain significance. Last evaluated: 2021-08-27. Review status: criteria provided, single submitter. Criteria: Invitae Variant Classification Sherloc (09022015). Collection method: clinical testing. Allele origin: germline.
Comment: This sequence change replaces leucine with phenylalanine at codon 655 of the SLC25A12 protein (p.Leu655Phe). The leucine residue is highly conserved and there is a small physicochemical difference between leucine and phenylalanine. This variant is present in population databases (rs749429197, ExAC 0.006%). This variant has not been reported in the literature in individuals affected with SLC25A12-related conditions. Algorithms developed to predict the effect of missense changes on protein structure and function are either unavailable or do not agree on the potential impact of this missense change (SIFT: "Deleterious"; PolyPhen-2: "Probably Damaging"; Align-GVGD: "Class C0"). In summary, the available evidence is currently insufficient to determine the role of this variant in disease. Therefore, it has been classified as a Variant of Uncertain Significance.